The following is an entry in ClinVar:

ClinVar aggregate classification (germline): Uncertain significance (1 of 4 stars; one submission).

Conditions:
Wilson disease (WND). Also called: Wilson's disease. Identifiers: Orphanet 905, MedGen C0019202, MONDO:0010200, OMIM 277900. Disease mechanism: loss of function.

Allele frequency attached by ClinVar (database versions not stated): gnomAD exomes below 0.00001; TOPMed below 0.00001.
gnomAD v4.1: 2 of 1,614,148 alleles (0.00012%); highest among the groups gnomAD compares: African/African-American, 0.0027%; no homozygotes.

Submission:

All of Us Research Program, National Institutes of Health
Classification: Uncertain significance for Wilson disease. Last evaluated: 2024-02-05. Review status: criteria provided, single submitter. Criteria: ACMG Guidelines, 2015. Collection method: clinical testing. Allele origin: germline. Inheritance: Autosomal recessive inheritance. Observed: 1 variant allele, 1 heterozygote.
Comment: This missense variant replaces glycine with serine at codon 496 of the ATP7B protein. Computational prediction suggests that this variant may have deleterious impact on protein structure and function (internally defined REVEL score threshold >= 0.7, PMID: 27666373). To our knowledge, functional studies have not been reported for this variant. This variant has not been reported in individuals affected with ATP7B-related disorders in the literature. This variant has not been identified in the general population by the Genome Aggregation Database (gnomAD). The available evidence is insufficient to determine the role of this variant in disease conclusively. Therefore, this variant is classified as a Variant of Uncertain Significance.

This study involves interpretation of variants in research participants for the purpose of population health screening. Participant phenotype was not available at the time of variant classification. Additional details can be found in publication PMID: 35346344, PMCID: PMC8962531

NM_000053.4(ATP7B):c.1486G>A (p.Gly496Ser)

Gene: ATP7B (ATPase copper transporting beta; minus strand). Cytogenetic location: 13q14.3.
Variant type: single nucleotide variant.
Coding change: c.1486G>A on transcript NM_000053.4 (MANE Select); coding-DNA position 1486, G replaced by A.
Protein change: p.Gly496Ser; replaces glycine 496 with serine.
Molecular consequence: missense variant. On other transcripts: intron variant (1).
Genome position (GRCh38, 1-based): chr13:51,970,549, C>T on the plus strand (G>A on the coding strand, the complement: ATP7B is on the minus strand). VCF-style: chr13-51970549-C-T. GRCh37 (hg19) VCF-style: chr13-52544685-C-T.
Other names: c.1390G>A, p.Gly464Ser (NM_001406517.1, NM_001406518.1, NM_001406543.1 and 3 more transcripts); c.1486G>A, p.Gly496Ser (NM_001406519.1, NM_001406520.1, NM_001406521.1 and 28 more transcripts); c.1057G>A, p.Gly353Ser (NM_001406539.1); c.1153G>A, p.Gly385Ser (NM_001243182.2); c.1285+3386G>A (NM_001406548.1); short protein forms G353S, G385S, G464S, G496S.
Identifiers: ClinVar variation 3075402 (VCV003075402.1), dbSNP rs1361734583, ClinGen allele CA388035442.